The following is an entry in ClinVar:

NM_001114753.3(ENG):c.1042_1054del (p.Asp348fs)

Gene: ENG (endoglin; minus strand). Cytogenetic location: 9q34.11.
Variant type: Deletion.
Coding change: c.1042_1054del on transcript NM_001114753.3 (MANE Select); coding-DNA positions 1042 to 1054, 13 bases deleted (GACACTTGTAGCC).
Protein change: p.Asp348fs; shifts the reading frame from aspartic acid 348.
Molecular consequence: frameshift variant.
Genome position (GRCh38, 1-based): chr9:127,824,384-127,824,396, GGCTACAAGTGTC deleted on the plus strand (GACACTTGTAGCC on the coding strand, the reverse complement: ENG is on the minus strand). VCF-style (leftmost placement, unchanged base first): chr9-127824383-GGGCTACAAGTGTC-G. GRCh37 (hg19) VCF-style: chr9-130586662-GGGCTACAAGTGTC-G.
Other names: c.1042_1054delGACACTTGTAGCC, p.Asp348Argfs (NM_000118.4, NM_001406715.1); c.496_508del, p.Asp166fs (NM_001278138.2); short protein forms D166fs, D348fs.
Identifiers: ClinVar variation 1774392 (VCV001774392.2), dbSNP rs2539071073, ClinGen allele CA2580079627.

ClinVar aggregate classification (germline): Pathogenic (1 of 4 stars; one submission).

Conditions:
Cardiovascular phenotype. Identifiers: MedGen CN230736.

Submission:

Ambry Genetics
Classification: Pathogenic for Cardiovascular phenotype. Last evaluated: 2021-07-09. Review status: criteria provided, single submitter. Criteria: Ambry Variant Classification Scheme 2023. Collection method: clinical testing. Allele origin: germline.
Comment: The c.1042_1054del13 pathogenic mutation, located in coding exon 8 of the ENG gene, results from a deletion of 13 nucleotides at nucleotide positions 1042 to 1054, causing a translational frameshift with a predicted alternate stop codon (p.D348Rfs*7). This alteration is expected to result in loss of function by premature protein truncation or nonsense-mediated mRNA decay. As such, this alteration is interpreted as a disease-causing mutation.